The following is an entry in ClinVar:

NM_032043.3(BRIP1):c.3304_3305dup (p.Asp1102fs)

Gene: BRIP1 (BRCA1 interacting DNA helicase 1; minus strand). Cytogenetic location: 17q23.2.
Variant type: Duplication.
Coding change: c.3304_3305dup on transcript NM_032043.3 (MANE Select); coding-DNA positions 3304 to 3305, 2 bases duplicated (GA; older notation c.3304_3305dupGA).
Protein change: p.Asp1102fs; shifts the reading frame from aspartic acid 1102.
Molecular consequence: frameshift variant.
Genome position (GRCh38, 1-based): chr17:61,683,741-61,683,742, TC duplicated on the plus strand (GA on the coding strand, the reverse complement: BRIP1 is on the minus strand); duplicating any 2 consecutive bases within chr17:61,683,741-61,683,743 gives the same sequence; the c. name uses the placement nearest the transcript's 3' end. VCF-style (leftmost placement, unchanged base first): chr17-61683740-G-GTC. GRCh37 (hg19) VCF-style: chr17-59761101-G-GTC.
Other names: short protein forms D1102fs.
Identifiers: ClinVar variation 1172147 (VCV001172147.8), dbSNP rs2144080858, ClinGen allele CA2499224781.
Genomic context (GRCh38, chr17:61,683,740, plus strand): 5'-TTCAAAATCTCTATTTGAAGTGGACTGTTTATCTTCTTCACTTACTAGAGACAATTCAAT[G>GTC]TCTGGATCCAGGGCTTCTTCAGAACAGAGCGGATGTTCAGAATGATTTTTTCTAGTAAGG-3'

ClinVar aggregate classification (germline): Likely pathogenic (1 of 4 stars; one submission).

Conditions:
Hereditary cancer-predisposing syndrome. Also called: Tumor predisposition; Hereditary neoplastic syndrome; Hereditary Cancer Syndrome; Neoplastic Syndromes, Hereditary. Identifiers: Orphanet 140162, MedGen C0027672, MeSH D009386, MONDO:0015356.

Submission:

Color Diagnostics, LLC DBA Color Health
Classification: Likely pathogenic for Hereditary cancer-predisposing syndrome. Last evaluated: 2023-04-06. Review status: criteria provided, single submitter. Criteria: ACMG Guidelines, 2015. Collection method: clinical testing. Allele origin: germline.
Comment: This variant inserts 2 nucleotides in exon 20 of the BRIP1 gene, creating a frameshift and premature translation stop signal in the last coding exon. This mutant transcript is predicted to escape nonsense-mediated decay and be expressed as a truncated protein. The truncated protein is expected to disrupt the TopBP1 binding domain (a.a. 1106-1178) and an acetylation site (p.Lys1249) in the C-terminus, which have been reported to play an important role in DNA replication-stress response and maintaining genomic stability (PMID: 20159562, 21127055, 22792074). To our knowledge, this variant has not been reported in individuals affected with hereditary cancer in the literature. This variant has not been identified in the general population by the Genome Aggregation Database (gnomAD). Loss of BRIP1 function is a known mechanism of disease. Based on the available evidence, this variant is classified as Likely Pathogenic.

Literature cited by the submitters: PubMed 20159562; PubMed 21127055; PubMed 22792074.